The following is an entry in ClinVar:

NM_005853.6(IRX5):c.681G>A (p.Ser227=)

Gene: IRX5 (iroquois homeobox 5; plus strand). Cytogenetic location: 16q12.2.
Variant type: single nucleotide variant.
Coding change: c.681G>A on transcript NM_005853.6 (MANE Select); coding-DNA position 681, G replaced by A.
Protein change: p.Ser227=; no amino-acid change (serine 227 retained).
Molecular consequence: synonymous variant.
Genome position (GRCh38, 1-based): chr16:54,933,102, G>A. VCF-style: chr16-54933102-G-A. GRCh37 (hg19) VCF-style: chr16-54967014-G-A.
Other names: c.678G>A, p.Ser226= (NM_001252197.1).
Identifiers: ClinVar variation 2141426 (VCV002141426.32), dbSNP rs139113918, ClinGen allele CA8059261.

ClinVar aggregate classification (germline): Likely benign. Review status: criteria provided, multiple submitters, no conflicts (2 of 4 stars). 3 submissions from 3 submitters: Likely benign (3). Last evaluated 2025-02-24.

Allele frequency attached by ClinVar (database versions not stated): ESP Exome Variant Server 0.00008.
gnomAD v4.1: 105 of 1,591,666 alleles (0.0066%); highest among the groups gnomAD compares: Non-Finnish European, 0.0083%; no homozygotes.

Submissions (3):

Labcorp Genetics (formerly Invitae), Labcorp
Classification: Likely benign. Last evaluated: 2025-02-24. Review status: criteria provided, single submitter. Criteria: Invitae Variant Classification Sherloc (09022015). Collection method: clinical testing. Allele origin: germline.

CeGaT Center for Human Genetics Tuebingen
Classification: Likely benign. Last evaluated: 2024-09-01. Review status: criteria provided, single submitter. Criteria: CeGaT Center For Human Genetics Tuebingen Variant Classification Criteria Version 2. Collection method: clinical testing. Allele origin: germline. Affected: yes. Observed: 4 variant alleles.
Comment: IRX5: BP4, BP7

Blueprint Genetics
Classification: Likely benign. Last evaluated: 2024-05-27. Review status: criteria provided, single submitter. Criteria: ACMG Guidelines, 2015. Collection method: clinical testing. Allele origin: germline.